The following is an entry in ClinVar:

ClinVar aggregate classification (germline): Uncertain significance (1 of 4 stars; one submission).

Allele frequency attached by ClinVar (database versions not stated): TOPMed 0.00001; ExAC 0.00001; gnomAD 0.00001; gnomAD exomes 0.00001.
gnomAD v4.1: 11 of 1,614,058 alleles (0.00068%); highest among the groups gnomAD compares: African/African-American, 0.0013%; no homozygotes.

Submission:

Labcorp Genetics (formerly Invitae), Labcorp
Classification: Uncertain significance. Last evaluated: 2021-10-25. Review status: criteria provided, single submitter. Criteria: Invitae Variant Classification Sherloc (09022015). Collection method: clinical testing. Allele origin: germline.
Comment: This sequence change replaces arginine with tryptophan at codon 765 of the MYO5B protein (p.Arg765Trp). The arginine residue is highly conserved and there is a moderate physicochemical difference between arginine and tryptophan. This variant is present in population databases (rs765228902, ExAC 0.01%). This variant has not been reported in the literature in individuals affected with MYO5B-related conditions. Algorithms developed to predict the effect of missense changes on protein structure and function are either unavailable or do not agree on the potential impact of this missense change (SIFT: "Deleterious"; PolyPhen-2: "Probably Damaging"; Align-GVGD: "Class C0"). In summary, the available evidence is currently insufficient to determine the role of this variant in disease. Therefore, it has been classified as a Variant of Uncertain Significance.

NM_001080467.3(MYO5B):c.2293C>T (p.Arg765Trp)

Gene: MYO5B (myosin VB; minus strand). Cytogenetic location: 18q21.1.
Variant type: single nucleotide variant.
Coding change: c.2293C>T on transcript NM_001080467.3 (MANE Select); coding-DNA position 2293, C replaced by T.
Protein change: p.Arg765Trp; replaces arginine 765 with tryptophan.
Molecular consequence: missense variant.
Genome position (GRCh38, 1-based): chr18:49,906,540, G>A on the plus strand (C>T on the coding strand, the complement: MYO5B is on the minus strand). VCF-style: chr18-49906540-G-A. GRCh37 (hg19) VCF-style: chr18-47432910-G-A.
Other names: short protein forms R765W.
Identifiers: ClinVar variation 1351635 (VCV001351635.3), dbSNP rs765228902, ClinGen allele CA8961129.